The following is an entry in ClinVar:

ClinVar aggregate classification (germline): Pathogenic. Review status: criteria provided, single submitter (1 of 4 stars). 2 submissions from 2 submitters: Pathogenic (1). 1 of the submissions does not count toward it. Last evaluated 2021-01-08.

Conditions:
Developmental and epileptic encephalopathy, 9 (DEE9). Also called: EPILEPSY, FEMALE-RESTRICTED, WITH MENTAL RETARDATION; JUBERG-HELLMAN SYNDROME; PCDH19-Related X-Linked Female-Limited Epilepsy with Mental Retardation; Early infantile epileptic encephalopathy 9. Identifiers: Orphanet 101039, Orphanet 2076, MedGen C1848137, MONDO:0010246, OMIM 300088. Disease mechanism: loss of function.

Submissions (2):

Labcorp Genetics (formerly Invitae), Labcorp
Classification: Pathogenic for Developmental and epileptic encephalopathy, 9. Last evaluated: 2021-01-08. Review status: criteria provided, single submitter. Criteria: Invitae Variant Classification Sherloc (09022015). Collection method: clinical testing. Allele origin: germline.
Comment: This sequence change creates a premature translational stop signal (p.Gln18*) in the PCDH19 gene. It is expected to result in an absent or disrupted protein product. Loss-of-function variants in PCDH19 are known to be pathogenic (PMID: 21053371). This variant is not present in population databases (ExAC no frequency). This variant has not been reported in the literature in individuals with PCDH19-related conditions. Algorithms developed to predict the effect of sequence changes on RNA splicing suggest that this variant may create or strengthen a splice site, but this prediction has not been confirmed by published transcriptional studies. For these reasons, this variant has been classified as Pathogenic.

Genetics and Genomic Medicine Centre, NeuroGen Healthcare, NeuroGen Healthcare
Classification: Pathogenic. Last evaluated: 2021-11-29. Review status: no assertion criteria provided. Collection method: clinical testing. Allele origin: unknown. Affected: yes. Not counted in ClinVar's aggregate classification.

Literature cited by the submitters: PubMed 21053371 (cited by Labcorp Genetics (formerly Invitae), Labcorp).

NM_001184880.2(PCDH19):c.52C>T (p.Gln18Ter)

Gene: PCDH19 (protocadherin 19; minus strand). Cytogenetic location: Xq22.1.
Variant type: single nucleotide variant.
Coding change: c.52C>T on transcript NM_001184880.2 (MANE Select); coding-DNA position 52, C replaced by T.
Protein change: p.Gln18Ter; replaces glutamine 18 with a stop codon.
Molecular consequence: nonsense.
Genome position (GRCh38, 1-based): chrX:100,408,546, G>A on the plus strand (C>T on the coding strand, the complement: PCDH19 is on the minus strand). VCF-style: chrX-100408546-G-A. GRCh37 (hg19) VCF-style: chrX-99663544-G-A.
Other names: c.52C>T, p.Gln18Ter (NM_001105243.2, NM_020766.3); short protein forms Q18*.
Identifiers: ClinVar variation 1435217 (VCV001435217.8), dbSNP rs2147542870, ClinGen allele CA414011481.